The following is an entry in ClinVar:

ClinVar aggregate classification (germline): Likely benign. Review status: criteria provided, multiple submitters, no conflicts (2 of 4 stars). 3 submissions from 3 submitters: Likely benign (2). 1 of the submissions does not count toward it. Last evaluated 2026-01-27.

Conditions:
LTBP2-related disorder. Also called: LTBP2-related condition; LTBP2-related disorders.

Allele frequency attached by ClinVar (database versions not stated): ExAC 0.00029; ESP Exome Variant Server 0.00092; gnomAD 0.00096 and 0.00105; 1000 Genomes Project 0.00100; 1000 Genomes Project 30x 0.00156.
gnomAD v4.1: 308 of 1,613,900 alleles (0.019%); highest among the groups gnomAD compares: African/African-American, 0.33%; 1 homozygote.

Submissions (3):

Labcorp Genetics (formerly Invitae), Labcorp
Classification: Likely benign. Last evaluated: 2026-01-27. Review status: criteria provided, single submitter. Criteria: Invitae Variant Classification Sherloc (09022015). Collection method: clinical testing. Allele origin: germline.

Breakthrough Genomics
Classification: Likely benign. Review status: criteria provided, single submitter. Criteria: ACMG Guidelines, 2015. Collection method: not provided. Allele origin: germline. Inheritance: Autosomal recessive inheritance. Affected: yes.

PreventionGenetics, part of Exact Sciences
Classification: Likely benign for LTBP2-related condition. Last evaluated: 2024-04-02. Review status: no assertion criteria provided. Collection method: clinical testing. Allele origin: germline. Not counted in ClinVar's aggregate classification.
Comment: This variant is classified as likely benign based on ACMG/AMP sequence variant interpretation guidelines (Richards et al. 2015 PMID: 25741868, with internal and published modifications).

NM_000428.3(LTBP2):c.1577G>A (p.Ser526Asn)

Gene: LTBP2 (latent transforming growth factor beta binding protein 2; minus strand). Cytogenetic location: 14q24.3.
Variant type: single nucleotide variant.
Coding change: c.1577G>A on transcript NM_000428.3 (MANE Select); coding-DNA position 1577, G replaced by A.
Protein change: p.Ser526Asn; replaces serine 526 with asparagine.
Molecular consequence: missense variant.
Genome position (GRCh38, 1-based): chr14:74,551,173, C>T on the plus strand (G>A on the coding strand, the complement: LTBP2 is on the minus strand). VCF-style: chr14-74551173-C-T. GRCh37 (hg19) VCF-style: chr14-75017876-C-T.
Other names: c.1577G>A (NM_000428.2); short protein forms S526N.
Identifiers: ClinVar variation 1587028 (VCV001587028.10), dbSNP rs142979965, ClinGen allele CA7269847.